The following is an entry in ClinVar:

ClinVar aggregate classification (germline): Uncertain significance (1 of 4 stars; one submission).

Conditions:
Baller-Gerold syndrome (BGS). Also called: CRANIOSYNOSTOSIS WITH RADIAL DEFECTS. Identifiers: Orphanet 1225, MedGen C0265308, MONDO:0009039, OMIM 218600.

Allele frequency attached by ClinVar (database versions not stated): gnomAD exomes below 0.00001; TOPMed below 0.00001; gnomAD 0.00001.
gnomAD v4.1: 3 of 1,612,480 alleles (0.00019%); highest among the groups gnomAD compares: Non-Finnish European, 0.00025%; no homozygotes.

Submission:

Labcorp Genetics (formerly Invitae), Labcorp
Classification: Uncertain significance for Baller-Gerold syndrome. Last evaluated: 2023-08-16. Review status: criteria provided, single submitter. Criteria: Invitae Variant Classification Sherloc (09022015). Collection method: clinical testing. Allele origin: germline.
Comment: In summary, the available evidence is currently insufficient to determine the role of this variant in disease. Therefore, it has been classified as a Variant of Uncertain Significance. Advanced modeling of protein sequence and biophysical properties (such as structural, functional, and spatial information, amino acid conservation, physicochemical variation, residue mobility, and thermodynamic stability) performed at Invitae indicates that this missense variant is not expected to disrupt RECQL4 protein function. ClinVar contains an entry for this variant (Variation ID: 1385193). This variant has not been reported in the literature in individuals affected with RECQL4-related conditions. This variant is not present in population databases (gnomAD no frequency). This sequence change replaces alanine, which is neutral and non-polar, with threonine, which is neutral and polar, at codon 971 of the RECQL4 protein (p.Ala971Thr).

NM_004260.4(RECQL4):c.2911G>A (p.Ala971Thr)

Gene: RECQL4 (RecQ like helicase 4; minus strand). Cytogenetic location: 8q24.3.
Variant type: single nucleotide variant.
Coding change: c.2911G>A on transcript NM_004260.4 (MANE Select); coding-DNA position 2911, G replaced by A.
Protein change: p.Ala971Thr; replaces alanine 971 with threonine.
Molecular consequence: missense variant.
Genome position (GRCh38, 1-based): chr8:144,512,536, C>T on the plus strand (G>A on the coding strand, the complement: RECQL4 is on the minus strand). VCF-style: chr8-144512536-C-T. GRCh37 (hg19) VCF-style: chr8-145737919-C-T.
Other names: short protein forms A971T.
Identifiers: ClinVar variation 1385193 (VCV001385193.6), dbSNP rs1827445508, ClinGen allele CA372673526.